The following is an entry in ClinVar:

NM_001845.6(COL4A1):c.1108C>T (p.Pro370Ser)

Gene: COL4A1 (collagen type IV alpha 1 chain; minus strand). Cytogenetic location: 13q34.
Variant type: single nucleotide variant.
Coding change: c.1108C>T on transcript NM_001845.6 (MANE Select); coding-DNA position 1108, C replaced by T.
Protein change: p.Pro370Ser; replaces proline 370 with serine.
Molecular consequence: missense variant.
Genome position (GRCh38, 1-based): chr13:110,200,866, G>A on the plus strand (C>T on the coding strand, the complement: COL4A1 is on the minus strand). VCF-style: chr13-110200866-G-A. GRCh37 (hg19) VCF-style: chr13-110853213-G-A.
Other names: c.1108C>T, p.Pro370Ser (NM_001303110.2); short protein forms P370S.
Identifiers: ClinVar variation 497893 (VCV000497893.7), dbSNP rs773419047, ClinGen allele CA7048053.

ClinVar aggregate classification (germline): Uncertain significance. Review status: criteria provided, multiple submitters, no conflicts (2 of 4 stars). 2 submissions from 2 submitters: Uncertain significance (2). Last evaluated 2025-12-31.

Allele frequency attached by ClinVar (database versions not stated): gnomAD 0.00003 and 0.00004; TOPMed 0.00008.
gnomAD v4.1: 11 of 1,614,086 alleles (0.00068%); highest among the groups gnomAD compares: African/African-American, 0.013%; no homozygotes.

Submissions (2):

Labcorp Genetics (formerly Invitae), Labcorp
Classification: Uncertain significance. Last evaluated: 2025-12-31. Review status: criteria provided, single submitter. Criteria: Invitae Variant Classification Sherloc (09022015). Collection method: clinical testing. Allele origin: germline.
Comment: This sequence change replaces proline, which is neutral and non-polar, with serine, which is neutral and polar, at codon 370 of the COL4A1 protein (p.Pro370Ser). This variant is present in population databases (rs773419047, gnomAD 0.02%). This variant has not been reported in the literature in individuals affected with COL4A1-related conditions. ClinVar contains an entry for this variant (Variation ID: 497893). Invitae Evidence Modeling of protein sequence and biophysical properties (such as structural, functional, and spatial information, amino acid conservation, physicochemical variation, residue mobility, and thermodynamic stability) indicates that this missense variant is not expected to disrupt COL4A1 protein function with a negative predictive value of 95%. In summary, the available evidence is currently insufficient to determine the role of this variant in disease. Therefore, it has been classified as a Variant of Uncertain Significance.

Eurofins Ntd Llc (ga)
Classification: Uncertain significance. Last evaluated: 2016-11-01. Review status: criteria provided, single submitter. Criteria: EGL Classification Definitions 2015. Collection method: clinical testing. Allele origin: germline. Observed: 1 variant allele, 1 heterozygote.